The following is an entry in ClinVar:

NM_005029.4(PITX3):c.34C>G (p.Arg12Gly)

Genes: GBF1 (golgi brefeldin A resistant guanine nucleotide exchange factor 1; plus strand), PITX3 (paired like homeodomain 3; minus strand). Cytogenetic location: 10q24.32.
Variant type: single nucleotide variant.
Coding change: c.34C>G on transcript NM_005029.4 (MANE Select); coding-DNA position 34, C replaced by G.
Protein change: p.Arg12Gly; replaces arginine 12 with glycine.
Molecular consequence: missense variant. On other transcripts: intron variant (2).
Genome position (GRCh38, 1-based): chr10:102,232,047, G>C on the plus strand (C>G on the coding strand, the complement: PITX3 is on the minus strand). VCF-style: chr10-102232047-G-C. GRCh37 (hg19) VCF-style: chr10-103991804-G-C.
Other names: c.-149+1131G>C (NM_001391924.1); c.-11+1131G>C (NM_001391923.1); short protein forms R12G.
Identifiers: ClinVar variation 2146233 (VCV002146233.3), dbSNP rs753038718, ClinGen allele CA5662821.

ClinVar aggregate classification (germline): Uncertain significance (1 of 4 stars; one submission).

Allele frequency attached by ClinVar (database versions not stated): ExAC 0.00001.

Submission:

Labcorp Genetics (formerly Invitae), Labcorp
Classification: Uncertain significance. Last evaluated: 2022-06-23. Review status: criteria provided, single submitter. Criteria: Invitae Variant Classification Sherloc (09022015). Collection method: clinical testing. Allele origin: germline.
Comment: In summary, the available evidence is currently insufficient to determine the role of this variant in disease. Therefore, it has been classified as a Variant of Uncertain Significance. Algorithms developed to predict the effect of missense changes on protein structure and function are either unavailable or do not agree on the potential impact of this missense change (SIFT: "Deleterious"; PolyPhen-2: "Possibly Damaging"; Align-GVGD: "Class C0"). This variant has not been reported in the literature in individuals affected with PITX3-related conditions. The frequency data for this variant in the population databases is considered unreliable, as metrics indicate poor data quality at this position in the gnomAD database. This sequence change replaces arginine, which is basic and polar, with glycine, which is neutral and non-polar, at codon 12 of the PITX3 protein (p.Arg12Gly).